The following is an entry in ClinVar:

NM_199242.3(UNC13D):c.2791C>G (p.Leu931Val)

Genes: UNC13D (unc-13 homolog D; minus strand), LOC112533672 (Sharpr-MPRA regulatory region 1193; plus strand). Cytogenetic location: 17q25.1.
Variant type: single nucleotide variant.
Coding change: c.2791C>G on transcript NM_199242.3 (MANE Select); coding-DNA position 2791, C replaced by G.
Protein change: p.Leu931Val; replaces leucine 931 with valine.
Molecular consequence: missense variant.
Genome position (GRCh38, 1-based): chr17:75,830,401, G>C on the plus strand (C>G on the coding strand, the complement: UNC13D is on the minus strand). VCF-style: chr17-75830401-G-C. GRCh37 (hg19) VCF-style: chr17-73826482-G-C.
Other names: short protein forms L931V.
Identifiers: ClinVar variation 1014046 (VCV001014046.7), dbSNP rs2064862566, ClinGen allele CA401079547.

ClinVar aggregate classification (germline): Uncertain significance (1 of 4 stars; one submission).

Conditions:
Familial hemophagocytic lymphohistiocytosis 3 (FHL3). Also called: UNC13D-Related Familial Hemophagocytic Lymphohistiocytosis (UNC13D-fHLH). Identifiers: Orphanet 540, MedGen C1837174, MONDO:0012146, OMIM 608898.

Submission:

Labcorp Genetics (formerly Invitae), Labcorp
Classification: Uncertain significance for Familial hemophagocytic lymphohistiocytosis 3. Last evaluated: 2020-08-23. Review status: criteria provided, single submitter. Criteria: Invitae Variant Classification Sherloc (09022015). Collection method: clinical testing. Allele origin: germline.
Comment: This variant is not present in population databases (ExAC no frequency). This sequence change replaces leucine with valine at codon 931 of the UNC13D protein (p.Leu931Val). The leucine residue is weakly conserved and there is a small physicochemical difference between leucine and valine. In summary, the available evidence is currently insufficient to determine the role of this variant in disease. Therefore, it has been classified as a Variant of Uncertain Significance. Algorithms developed to predict the effect of sequence changes on RNA splicing suggest that this variant may create or strengthen a splice site, but this prediction has not been confirmed by published transcriptional studies. Algorithms developed to predict the effect of missense changes on protein structure and function output the following: SIFT: "Not Available"; PolyPhen-2: "Benign"; Align-GVGD: "Not Available". The valine amino acid residue is found in multiple mammalian species, suggesting that this missense change does not adversely affect protein function. These predictions have not been confirmed by published functional studies and their clinical significance is uncertain. This variant has not been reported in the literature in individuals with UNC13D-related conditions.